The following is an entry in ClinVar:

NM_000465.4(BARD1):c.302del (p.Leu101fs)

Gene: BARD1 (BRCA1 associated RING domain 1; minus strand). Cytogenetic location: 2q35.
Variant type: Deletion.
Coding change: c.302del on transcript NM_000465.4 (MANE Select); coding-DNA position 302, one base deleted (T; older notation c.302delT).
Protein change: p.Leu101fs; shifts the reading frame from leucine 101.
Molecular consequence: frameshift variant. On other transcripts: non-coding transcript variant (1), intron variant (2).
Genome position (GRCh38, 1-based): chr2:214,792,359, A deleted on the plus strand (T on the coding strand, the reverse complement: BARD1 is on the minus strand). VCF-style (leftmost placement, unchanged base first): chr2-214792358-CA-C. GRCh37 (hg19) VCF-style: chr2-215657082-CA-C.
Other names: c.245del, p.Leu82fs (NM_001282543.2); c.302del, p.Leu101fs (NM_001282549.2); c.158+17053del (NM_001282548.2); c.215+4702del (NM_001282545.2); c.302delT (NM_000465.2); short protein forms L101fs, L82fs.
Identifiers: ClinVar variation 2583323 (VCV002583323.3), dbSNP rs2469560852, ClinGen allele CA2582342119.

ClinVar aggregate classification (germline): Pathogenic. Review status: criteria provided, multiple submitters, no conflicts (2 of 4 stars). 2 submissions from 2 submitters: Pathogenic (2). Last evaluated 2025-11-19.

Conditions:
Hereditary cancer-predisposing syndrome. Also called: Tumor predisposition; Hereditary neoplastic syndrome; Neoplastic Syndromes, Hereditary; Hereditary Cancer Syndrome. Identifiers: Orphanet 140162, MedGen C0027672, MeSH D009386, MONDO:0015356.
Familial cancer of breast. Also called: Hereditary breast cancer; BREAST CANCER, FAMILIAL; hereditary breast carcinoma. Identifiers: Orphanet 227535, MedGen C0346153, MONDO:0016419, OMIM 114480. Disease mechanism: loss of function.

Submissions (2):

Ambry Genetics
Classification: Pathogenic for Hereditary cancer-predisposing syndrome. Last evaluated: 2025-11-19. Review status: criteria provided, single submitter. Criteria: Ambry Variant Classification Scheme 2023. Collection method: clinical testing. Allele origin: germline.
Comment: The c.302delT pathogenic mutation, located in coding exon 3 of the BARD1 gene, results from a deletion of one nucleotide at nucleotide position 302, causing a translational frameshift with a predicted alternate stop codon (p.L101Rfs*4). This variant is considered to be rare based on population cohorts in the Genome Aggregation Database (gnomAD). This alteration is expected to result in loss of function by premature protein truncation or nonsense-mediated mRNA decay. As such, this alteration is interpreted as a disease-causing mutation.

Myriad Genetics, Inc.
Classification: Pathogenic for Familial cancer of breast. Last evaluated: 2023-05-18. Review status: criteria provided, single submitter. Criteria: Myriad Autosomal Dominant, Autosomal Recessive and X-Linked Classification Criteria (2023). Collection method: clinical testing. Allele origin: unknown.
Comment: This variant is considered pathogenic. This variant creates a frameshift predicted to result in premature protein truncation.